The following is an entry in ClinVar:

NM_014908.4(DOLK):c.56C>G (p.Ser19Trp)

Gene: DOLK (dolichol kinase; minus strand). Cytogenetic location: 9q34.11.
Variant type: single nucleotide variant.
Coding change: c.56C>G on transcript NM_014908.4 (MANE Select); coding-DNA position 56, C replaced by G.
Protein change: p.Ser19Trp; replaces serine 19 with tryptophan.
Molecular consequence: missense variant.
Genome position (GRCh38, 1-based): chr9:128,947,248, G>C on the plus strand (C>G on the coding strand, the complement: DOLK is on the minus strand). VCF-style: chr9-128947248-G-C. GRCh37 (hg19) VCF-style: chr9-131709527-G-C.
Other names: short protein forms S19W.
Identifiers: ClinVar variation 4810055 (VCV004810055.1).

ClinVar aggregate classification (germline): Uncertain significance (1 of 4 stars; one submission).

Conditions:
DK1-congenital disorder of glycosylation. Also called: CONGENITAL DISORDER OF GLYCOSYLATION, TYPE Im; CDG Im; DK1 DEFICIENCY; DOLICHOL KINASE DEFICIENCY; DK1-CDG; DOLK-congenital disorder of glycosylation. Identifiers: Orphanet 91131, MedGen C1835849, MONDO:0012556, OMIM 610768.

Submission:

Labcorp Genetics (formerly Invitae), Labcorp
Classification: Uncertain significance for DK1-congenital disorder of glycosylation. Last evaluated: 2025-11-06. Review status: criteria provided, single submitter. Criteria: Invitae Variant Classification Sherloc (09022015). Collection method: clinical testing. Allele origin: germline.
Comment: This sequence change replaces serine, which is neutral and polar, with tryptophan, which is neutral and slightly polar, at codon 19 of the DOLK protein (p.Ser19Trp). This variant is not present in population databases (gnomAD no frequency). This variant has not been reported in the literature in individuals affected with DOLK-related conditions. An algorithm developed to predict the effect of missense changes on protein structure and function (PolyPhen-2) suggests that this variant is likely to be tolerated. In summary, the available evidence is currently insufficient to determine the role of this variant in disease. Therefore, it has been classified as a Variant of Uncertain Significance.